The following is an entry in ClinVar:

ClinVar aggregate classification (germline): Likely pathogenic (1 of 4 stars; one submission).

Conditions:
Intellectual developmental disorder, autosomal dominant 39. Also called: Mental retardation, autosomal dominant 39; Intellectual disability, autosomal dominant 39. Identifiers: MedGen C4225296, MONDO:0014678, OMIM 616521.

Submission:

3billion
Classification: Likely pathogenic for Intellectual developmental disorder, autosomal dominant 39. Review status: criteria provided, single submitter. Criteria: ACMG Guidelines, 2015. Collection method: clinical testing. Allele origin: unknown. Affected: yes. Observed: 1 heterozygote.
Comment: The variant is not observed in the gnomAD v2.1.1 dataset. The variant is predicted to result in a loss or disruption of normal protein function through nonsense-mediated decay (NMD) or protein truncation. Multiple pathogenic variants are reported downstream of the variant. Therefore, this variant is classified as Likely pathogenic according to the recommendation of ACMG/AMP guideline.

NM_001303052.2(MYT1L):c.2838del (p.Glu947fs)

Gene: MYT1L (myelin transcription factor 1 like; minus strand). Cytogenetic location: 2p25.3.
Variant type: Deletion.
Coding change: c.2838del on transcript NM_001303052.2 (MANE Select); coding-DNA position 2838, one base deleted (A; older notation c.2838delA).
Protein change: p.Glu947fs; shifts the reading frame from glutamic acid 947.
Molecular consequence: frameshift variant.
Genome position (GRCh38, 1-based): chr2:1,840,780, T deleted on the plus strand (A on the coding strand, the reverse complement: MYT1L is on the minus strand); the first of 3 consecutive T bases (chr2:1,840,780-1,840,782); deleting any one gives the same sequence. VCF-style (leftmost placement, unchanged base first): chr2-1840779-CT-C. GRCh37 (hg19) VCF-style: chr2-1844551-CT-C.
Other names: c.2838del, p.Glu947fs (NM_001329844.2, NM_001329845.1, NM_001329851.3); c.2832del, p.Glu945fs (NM_001329846.3, NM_001329847.2, NM_001329848.1 and 3 more transcripts); short protein forms E945fs, E947fs.
Identifiers: ClinVar variation 2572508 (VCV002572508.1), dbSNP rs2550356690, ClinGen allele CA2580612908.